The following is an entry in ClinVar:

NM_004991.4(MECOM):c.2080A>G (p.Met694Val)

Gene: MECOM (MDS1 and EVI1 complex locus; minus strand). Cytogenetic location: 3q26.2.
Variant type: single nucleotide variant.
Coding change: c.2080A>G on transcript NM_004991.4 (MANE Select); coding-DNA position 2080, A replaced by G.
Protein change: p.Met694Val; replaces methionine 694 with valine.
Molecular consequence: missense variant. On other transcripts: intron variant (2).
Genome position (GRCh38, 1-based): chr3:169,115,792, T>C on the plus strand (A>G on the coding strand, the complement: MECOM is on the minus strand). VCF-style: chr3-169115792-T-C. GRCh37 (hg19) VCF-style: chr3-168833580-T-C.
Other names: c.2080A>G (NM_004991.3); c.1711A>G, p.Met571Val (NM_001105077.4); c.1516A>G, p.Met506Val (NM_001105078.4, NM_001164000.2, NM_001205194.2 and 4 more transcripts); c.1519A>G, p.Met507Val (NM_001163999.2, NM_001366467.2, NM_001366468.2 and 1 more transcripts); c.2080A>G, p.Met694Val (NM_001366466.2); c.1133-25A>G (NM_001366473.2); c.569-25A>G (NM_001366474.2); short protein forms M571V, M506V, M507V, M694V.
Identifiers: ClinVar variation 3665599 (VCV003665599.3).
Genomic context (GRCh38, chr3:169,115,792, plus strand): 5'-CTCTATCAGGAAATGGGTACATTGATTGAGAGAATGCTGGAAAAAATGGGAGGGGAAACA[T>C]GGAAGGGTAAGGTAAAGCTCCAACTTTTTTGTCTTGCAGCCCCACCAGTCCTGTTGAACC-3'
Protein context (NP_004982.2, residues 684-704): KKVGALPYPS[Met694Val]FPLPFFPAFS

ClinVar aggregate classification (germline): Uncertain significance. Review status: criteria provided, multiple submitters, no conflicts (2 of 4 stars). 2 submissions from 2 submitters: Uncertain significance (2). Last evaluated 2025-01-19.

Conditions:
Inborn genetic diseases. Identifiers: MedGen C0950123, MeSH D030342.

Submissions (2):

Ambry Genetics
Classification: Uncertain significance for Inborn genetic diseases. Last evaluated: 2025-01-19. Review status: criteria provided, single submitter. Criteria: Ambry Variant Classification Scheme 2023. Collection method: clinical testing. Allele origin: germline.
Comment: The p.M694V variant (also known as c.2080A>G), located in coding exon 8 of the MECOM gene, results from an A to G substitution at nucleotide position 2080. The methionine at codon 694 is replaced by valine, an amino acid with highly similar properties. This amino acid position is conserved. In addition, this alteration is predicted to be tolerated by in silico analysis. Based on the available evidence, the clinical significance of this variant remains unclear.

Labcorp Genetics (formerly Invitae), Labcorp
Classification: Uncertain significance. Last evaluated: 2025-01-14. Review status: criteria provided, single submitter. Criteria: Invitae Variant Classification Sherloc (09022015). Collection method: clinical testing. Allele origin: germline.
Comment: This sequence change replaces methionine, which is neutral and non-polar, with valine, which is neutral and non-polar, at codon 506 of the MECOM protein (p.Met506Val). This variant is present in population databases (no rsID available, gnomAD 0.006%). This variant has not been reported in the literature in individuals affected with MECOM-related conditions. An algorithm developed to predict the effect of missense changes on protein structure and function (PolyPhen-2) suggests that this variant is likely to be disruptive. In summary, the available evidence is currently insufficient to determine the role of this variant in disease. Therefore, it has been classified as a Variant of Uncertain Significance.